The following is an entry in ClinVar:

NM_003823.4(TNFRSF6B):c.424+3G>A

Genes: RTEL1-TNFRSF6B (RTEL1-TNFRSF6B readthrough (NMD candidate); plus strand), TNFRSF6B (TNF receptor superfamily member 6b; plus strand). Cytogenetic location: 20q13.33.
Variant type: single nucleotide variant.
Coding change: c.424+3G>A on transcript NM_003823.4 (MANE Select); 3 bases into the intron after coding-DNA position 424, G replaced by A.
Molecular consequence: intron variant.
Genome position (GRCh38, 1-based): chr20:63,697,194, G>A. VCF-style: chr20-63697194-G-A. GRCh37 (hg19) VCF-style: chr20-62328547-G-A.
Identifiers: ClinVar variation 2806429 (VCV002806429.3), dbSNP rs765103088, ClinGen allele CA9966442.

ClinVar aggregate classification (germline): Uncertain significance (1 of 4 stars; one submission).

Allele frequency attached by ClinVar (database versions not stated): gnomAD exomes below 0.00001.
gnomAD v4.1: 2 of 1,557,566 alleles (0.00013%); highest among the groups gnomAD compares: South Asian, 0.0012%; no homozygotes.

Submission:

Labcorp Genetics (formerly Invitae), Labcorp
Classification: Uncertain significance. Last evaluated: 2024-01-11. Review status: criteria provided, single submitter. Criteria: Invitae Variant Classification Sherloc (09022015). Collection method: clinical testing. Allele origin: germline.
Comment: This sequence change falls in intron 1 of the TNFRSF6B gene. It does not directly change the encoded amino acid sequence of the TNFRSF6B protein. It affects a nucleotide within the consensus splice site. This variant is not present in population databases (gnomAD no frequency). This variant has not been reported in the literature in individuals affected with TNFRSF6B-related conditions. Variants that disrupt the consensus splice site are a relatively common cause of aberrant splicing (PMID: 17576681, 9536098). Algorithms developed to predict the effect of sequence changes on RNA splicing suggest that this variant is not likely to affect RNA splicing. In summary, the available evidence is currently insufficient to determine the role of this variant in disease. Therefore, it has been classified as a Variant of Uncertain Significance.

Literature cited by the submitters: PubMed 17576681; PubMed 9536098.